The following is an entry in ClinVar:

ClinVar aggregate classification (germline): Uncertain significance (1 of 4 stars; one submission).

Conditions:
Hereditary cancer-predisposing syndrome. Also called: Neoplastic Syndromes, Hereditary; Tumor predisposition; Hereditary Cancer Syndrome; Hereditary neoplastic syndrome. Identifiers: Orphanet 140162, MedGen C0027672, MeSH D009386, MONDO:0015356.

Submission:

Ambry Genetics
Classification: Uncertain significance for Hereditary cancer-predisposing syndrome. Last evaluated: 2025-06-07. Review status: criteria provided, single submitter. Criteria: Ambry Variant Classification Scheme 2023. Collection method: clinical testing. Allele origin: germline.
Comment: The p.F1336V variant (also known as c.4006T>G), located in coding exon 26 of the ATM gene, results from a T to G substitution at nucleotide position 4006. The phenylalanine at codon 1336 is replaced by valine, an amino acid with highly similar properties. This amino acid position is well conserved in available vertebrate species. In addition, the in silico prediction for this alteration is inconclusive. Since supporting evidence is limited at this time, the clinical significance of this alteration remains unclear.

NM_000051.4(ATM):c.4006T>G (p.Phe1336Val)

Gene: ATM (ATM serine/threonine kinase; plus strand). Cytogenetic location: 11q22.3.
Variant type: single nucleotide variant.
Coding change: c.4006T>G on transcript NM_000051.4 (MANE Select); coding-DNA position 4006, T replaced by G.
Protein change: p.Phe1336Val; replaces phenylalanine 1336 with valine.
Molecular consequence: missense variant.
Genome position (GRCh38, 1-based): chr11:108,287,612, T>G. VCF-style: chr11-108287612-T-G. GRCh37 (hg19) VCF-style: chr11-108158339-T-G.
Other names: c.4006T>G, p.Phe1336Val (NM_001351834.2); short protein forms F1336V.
Identifiers: ClinVar variation 1736973 (VCV001736973.3), dbSNP rs1565452452, ClinGen allele CA382527509.